The following is an entry in ClinVar:

NM_000548.5(TSC2):c.4358C>G (p.Pro1453Arg)

Gene: TSC2 (TSC complex subunit 2; plus strand). Cytogenetic location: 16p13.3.
Variant type: single nucleotide variant.
Coding change: c.4358C>G on transcript NM_000548.5 (MANE Select); coding-DNA position 4358, C replaced by G.
Protein change: p.Pro1453Arg; replaces proline 1453 with arginine.
Molecular consequence: missense variant. On other transcripts: non-coding transcript variant (5).
Genome position (GRCh38, 1-based): chr16:2,084,580, C>G. VCF-style: chr16-2084580-C-G. GRCh37 (hg19) VCF-style: chr16-2134581-C-G.
Other names: c.2885C>G, p.Pro962Arg (NM_001406690.1); c.2882C>G, p.Pro961Arg (NM_001406691.1); c.2816C>G, p.Pro939Arg (NM_001406692.1, NM_001406693.1, NM_001406694.1); c.2813C>G, p.Pro938Arg (NM_001406695.1, NM_001406696.1, NM_001406697.1); c.2555C>G, p.Pro852Arg (NM_001406698.1); c.4229C>G, p.Pro1410Arg (NM_021055.3, NM_001370405.1); c.4157C>G, p.Pro1386Arg (NM_001077183.3); c.4289C>G, p.Pro1430Arg (NM_001114382.3); and 26 more; short protein forms P1367R, P1382R, P1387R, P1393R, P1416R, P1427R, P1430R, P1452R.
Identifiers: ClinVar variation 2706772 (VCV002706772.3), dbSNP rs748182471, ClinGen allele CA394301637.
Genomic context (GRCh38, chr16:2,084,580, plus strand): 5'-CGGGCGAAGACAGTCGGGGCCAGCCCGAGGGTCCCTTGCCTTCCAGCTCCCCCCGCTCGC[C>G]CAGTGGCCTCCGGCCCCGAGGTTACACCATCTCCGACTCGGCCCCATCACGCAGGGGCAA-3'
Protein context (NP_000539.2, residues 1443-1463): GPLPSSSPRS[Pro1453Arg]SGLRPRGYTI

ClinVar aggregate classification (germline): Uncertain significance (1 of 4 stars; one submission).

Conditions:
Tuberous sclerosis 2 (TSC2). Identifiers: Orphanet 805, MedGen C1860707, MONDO:0013199, OMIM 613254.

Submission:

Labcorp Genetics (formerly Invitae), Labcorp
Classification: Uncertain significance for Tuberous sclerosis 2. Last evaluated: 2023-12-31. Review status: criteria provided, single submitter. Criteria: Invitae Variant Classification Sherloc (09022015). Collection method: clinical testing. Allele origin: germline.
Comment: This sequence change replaces proline, which is neutral and non-polar, with arginine, which is basic and polar, at codon 1453 of the TSC2 protein (p.Pro1453Arg). This variant is not present in population databases (gnomAD no frequency). This variant has not been reported in the literature in individuals affected with TSC2-related conditions. Advanced modeling of protein sequence and biophysical properties (such as structural, functional, and spatial information, amino acid conservation, physicochemical variation, residue mobility, and thermodynamic stability) performed at Invitae indicates that this missense variant is not expected to disrupt TSC2 protein function with a negative predictive value of 95%. In summary, the available evidence is currently insufficient to determine the role of this variant in disease. Therefore, it has been classified as a Variant of Uncertain Significance.